The following is an entry in ClinVar:

NM_001131016.2(CIZ1):c.1711C>T (p.Arg571Cys)

Gene: CIZ1 (CDKN1A interacting zinc finger protein 1; minus strand). Cytogenetic location: 9q34.11.
Variant type: single nucleotide variant.
Coding change: c.1711C>T on transcript NM_001131016.2 (MANE Select); coding-DNA position 1711, C replaced by T.
Protein change: p.Arg571Cys; replaces arginine 571 with cysteine.
Molecular consequence: missense variant.
Genome position (GRCh38, 1-based): chr9:128,177,673, G>A on the plus strand (C>T on the coding strand, the complement: CIZ1 is on the minus strand). VCF-style: chr9-128177673-G-A. GRCh37 (hg19) VCF-style: chr9-130939952-G-A.
Other names: c.1543C>T, p.Arg515Cys (NM_001131015.2); c.1528C>T, p.Arg510Cys (NM_001131017.2); c.1471C>T, p.Arg491Cys (NM_001131018.2); c.1801C>T, p.Arg601Cys (NM_001257975.2); c.1408C>T, p.Arg470Cys (NM_001257976.2); c.1711C>T, p.Arg571Cys (NM_012127.3); short protein forms R510C, R491C, R470C, R515C, R571C, R601C.
Identifiers: ClinVar variation 1404893 (VCV001404893.6), dbSNP rs748353462, ClinGen allele CA5257248.

ClinVar aggregate classification (germline): Uncertain significance (1 of 4 stars; one submission).

Conditions:
Dystonic disorder. Also called: Dystonia. Identifiers: MedGen C0013421, MONDO:0003441, HP:0001332.

Allele frequency attached by ClinVar (database versions not stated): gnomAD 0.00004; gnomAD exomes 0.00005 and 0.00006; TOPMed 0.00005; ExAC 0.00010.
gnomAD v4.1: 74 of 1,601,758 alleles (0.0046%); highest among the groups gnomAD compares: Non-Finnish European, 0.006%; no homozygotes.

Submission:

Labcorp Genetics (formerly Invitae), Labcorp
Classification: Uncertain significance for Dystonic disorder. Last evaluated: 2023-04-20. Review status: criteria provided, single submitter. Criteria: Invitae Variant Classification Sherloc (09022015). Collection method: clinical testing. Allele origin: germline.
Comment: In summary, the available evidence is currently insufficient to determine the role of this variant in disease. Therefore, it has been classified as a Variant of Uncertain Significance. An algorithm developed to predict the effect of missense changes on protein structure and function (PolyPhen-2) suggests that this variant is likely to be disruptive. ClinVar contains an entry for this variant (Variation ID: 1404893). This variant has not been reported in the literature in individuals affected with CIZ1-related conditions. This variant is present in population databases (rs748353462, gnomAD 0.02%). This sequence change replaces arginine, which is basic and polar, with cysteine, which is neutral and slightly polar, at codon 571 of the CIZ1 protein (p.Arg571Cys).